The following is an entry in ClinVar:

ClinVar aggregate classification (germline): Conflicting classifications of pathogenicity. Review status: criteria provided, conflicting classifications (1 of 4 stars). 8 submissions from 8 submitters: Uncertain significance (1); Likely benign (6). 1 of the submissions does not count toward it. Last evaluated 2026-08-01.

Conditions:
Fanconi anemia (FA). Also called: Fanconi's anemia. Identifiers: Orphanet 84, MedGen C0015625, MeSH D005199, MONDO:0019391.
FANCI-related disorder. Also called: FANCI-related condition.
Fanconi anemia complementation group I (FANCI). Also called: FANCI-Related Fanconi Anemia. Identifiers: Orphanet 84, MedGen C1836861, MONDO:0012186, OMIM 609053.

Allele frequency attached by ClinVar (database versions not stated): 1000 Genomes Project 30x 0.00031; ESP Exome Variant Server 0.00054; TOPMed 0.00079; gnomAD 0.00083; gnomAD exomes 0.00087 and 0.00099; ExAC 0.00097.
gnomAD v4.1: 1,382 of 1,613,790 alleles (0.086%); highest among the groups gnomAD compares: South Asian, 0.11%; 1 homozygote.

Submissions (9):

CeGaT Center for Human Genetics Tuebingen
Classification: Likely benign. Last evaluated: 2026-08-01. Review status: criteria provided, single submitter. Criteria: CeGaT Center For Human Genetics Tuebingen Variant Classification Criteria Version 2. Collection method: clinical testing. Allele origin: germline. Affected: yes. Observed: 35 variant alleles.
Comment: FANCI: BP4, BP7

Labcorp Genetics (formerly Invitae), Labcorp
Classification: Likely benign for Fanconi anemia. Last evaluated: 2026-02-01. Review status: criteria provided, single submitter. Criteria: Invitae Variant Classification Sherloc (09022015). Collection method: clinical testing. Allele origin: germline.

Laboratory of Genetics, Children's Clinical University Hospital Latvia
Classification: Likely benign. Last evaluated: 2025-02-16. Review status: criteria provided, single submitter. Criteria: ACMG Guidelines, 2015. Collection method: clinical testing. Allele origin: germline. Affected: yes.

Blueprint Genetics
Classification: Likely benign. Last evaluated: 2024-11-22. Review status: criteria provided, single submitter. Criteria: ACMG Guidelines, 2015. Collection method: clinical testing. Allele origin: germline.

Genetic Services Laboratory, University of Chicago
Classification: Likely benign. Last evaluated: 2021-11-22. Review status: criteria provided, single submitter. Criteria: ACMG Guidelines, 2015. Collection method: clinical testing. Allele origin: germline. Affected: no.

Sema4
Classification: Likely benign for Fanconi anemia. Last evaluated: 2021-04-14. Review status: criteria provided, single submitter. Criteria: Sema4 Curation Guidelines. Collection method: curation. Allele origin: germline.

Illumina Laboratory Services, Illumina
Classification: Uncertain significance for Fanconi anemia complementation group I. Last evaluated: 2018-01-12. Review status: criteria provided, single submitter. Criteria: ICSL Variant Classification Criteria 13 December 2019. Collection method: clinical testing. Allele origin: germline.

PreventionGenetics, part of Exact Sciences
Classification: Likely benign for FANCI-related condition. Last evaluated: 2019-06-06. Review status: no assertion criteria provided. Collection method: clinical testing. Allele origin: germline. Not counted in ClinVar's aggregate classification.
Comment: This variant is classified as likely benign based on ACMG/AMP sequence variant interpretation guidelines (Richards et al. 2015 PMID: 25741868, with internal and published modifications).

Dr. Peter K. Rogan Lab, Western University
No classification provided (evidence only). Condition: Familial cancer of breast. Review status: no classification provided. Collection method: in vitro. Allele origin: not applicable. Functional consequence: retained intron. Not counted in ClinVar's aggregate classification.

NM_001113378.2(FANCI):c.1491A>G (p.Gln497=)

Gene: FANCI (FA complementation group I; plus strand). Cytogenetic location: 15q26.1.
Variant type: single nucleotide variant.
Coding change: c.1491A>G on transcript NM_001113378.2 (MANE Select); coding-DNA position 1491, A replaced by G.
Protein change: p.Gln497=; no amino-acid change (glutamine 497 retained).
Molecular consequence: synonymous variant.
Genome position (GRCh38, 1-based): chr15:89,281,279, A>G. VCF-style: chr15-89281279-A-G. GRCh37 (hg19) VCF-style: chr15-89824510-A-G.
Other names: c.1212A>G, p.Gln404= (NM_001376910.1); c.1491A>G, p.Gln497= (NM_001376911.1, NM_018193.3).
Identifiers: ClinVar variation 317277 (VCV000317277.46), dbSNP rs145349375, ClinGen allele CA7723031.